The following is an entry in ClinVar:

NM_001876.4(CPT1A):c.1382T>G (p.Val461Gly)

Gene: CPT1A (carnitine palmitoyltransferase 1A; minus strand). Cytogenetic location: 11q13.3.
Variant type: single nucleotide variant.
Coding change: c.1382T>G on transcript NM_001876.4 (MANE Select); coding-DNA position 1382, T replaced by G.
Protein change: p.Val461Gly; replaces valine 461 with glycine.
Molecular consequence: missense variant.
Genome position (GRCh38, 1-based): chr11:68,780,716, A>C on the plus strand (T>G on the coding strand, the complement: CPT1A is on the minus strand). VCF-style: chr11-68780716-A-C. GRCh37 (hg19) VCF-style: chr11-68548184-A-C.
Other names: c.1382T>G, p.Val461Gly (NM_001031847.3, NM_001440358.1, NM_001440359.1 and 3 more transcripts); c.1274T>G, p.Val425Gly (NM_001440363.1); c.1196T>G, p.Val399Gly (NM_001440365.1); short protein forms V425G, V399G, V461G.
Identifiers: ClinVar variation 4704605 (VCV004704605.1).

ClinVar aggregate classification (germline): Uncertain significance (1 of 4 stars; one submission).

Conditions:
Carnitine palmitoyl transferase 1A deficiency. Also called: Carnitine palmitoyltransferase 1A deficiency; Carnitine palmitoyltransferase type I deficiency; CPT deficiency, hepatic, type IA; CPT I DEFICIENCY; CPT DEFICIENCY, HEPATIC, TYPE I. Identifiers: Orphanet 156, MedGen C1829703, MONDO:0009705, OMIM 255120.

gnomAD v4.1: 1 of 1,614,254 alleles (0.000062%); highest among the groups gnomAD compares: Admixed American, 0.0017%; no homozygotes.

Submission:

Labcorp Genetics (formerly Invitae), Labcorp
Classification: Uncertain significance for Carnitine palmitoyl transferase 1A deficiency. Last evaluated: 2025-07-08. Review status: criteria provided, single submitter. Criteria: Invitae Variant Classification Sherloc (09022015). Collection method: clinical testing. Allele origin: germline.
Comment: This sequence change replaces valine, which is neutral and non-polar, with glycine, which is neutral and non-polar, at codon 461 of the CPT1A protein (p.Val461Gly). This variant is present in population databases (no rsID available, gnomAD 0.003%). This variant has not been reported in the literature in individuals affected with CPT1A-related conditions. Invitae Evidence Modeling of protein sequence and biophysical properties (such as structural, functional, and spatial information, amino acid conservation, physicochemical variation, residue mobility, and thermodynamic stability) indicates that this missense variant is expected to disrupt CPT1A protein function with a positive predictive value of 80%. In summary, the available evidence is currently insufficient to determine the role of this variant in disease. Therefore, it has been classified as a Variant of Uncertain Significance.